The following is an entry in ClinVar:

NM_003737.4(DCHS1):c.80T>A (p.Leu27Gln)

Gene: DCHS1 (dachsous cadherin-related 1; minus strand). Cytogenetic location: 11p15.4.
Variant type: single nucleotide variant.
Coding change: c.80T>A on transcript NM_003737.4 (MANE Select); coding-DNA position 80, T replaced by A.
Protein change: p.Leu27Gln; replaces leucine 27 with glutamine.
Molecular consequence: missense variant.
Genome position (GRCh38, 1-based): chr11:6,641,534, A>T on the plus strand (T>A on the coding strand, the complement: DCHS1 is on the minus strand). VCF-style: chr11-6641534-A-T. GRCh37 (hg19) VCF-style: chr11-6662765-A-T.
Other names: short protein forms L27Q.
Identifiers: ClinVar variation 4800386 (VCV004800386.1).
Genomic context (GRCh38, chr11:6,641,534, plus strand): 5'-AGGCTCCCAGCCTGACCCCAGGCACCTGGCACCCCAGCCCCCAGCAGCAGCAGCAGCAGC[A>T]GCAGCAATGGTAGCAGGAGGTGGGGCCTGGGGCTCTTCATGCCAGGGCAGGAAGGCACAA-3'
Protein context (NP_003728.1, residues 17-37): PRPHLLLPLL[Leu27Gln]LLLLLLGAGV

ClinVar aggregate classification (germline): Uncertain significance (1 of 4 stars; one submission).

Submission:

Labcorp Genetics (formerly Invitae), Labcorp
Classification: Uncertain significance. Last evaluated: 2025-06-06. Review status: criteria provided, single submitter. Criteria: Invitae Variant Classification Sherloc (09022015). Collection method: clinical testing. Allele origin: germline.
Comment: This sequence change replaces leucine, which is neutral and non-polar, with glutamine, which is neutral and polar, at codon 27 of the DCHS1 protein (p.Leu27Gln). This variant is not present in population databases (gnomAD no frequency). This variant has not been reported in the literature in individuals affected with DCHS1-related conditions. Invitae Evidence Modeling of protein sequence and biophysical properties (such as structural, functional, and spatial information, amino acid conservation, physicochemical variation, residue mobility, and thermodynamic stability) indicates that this missense variant is not expected to disrupt DCHS1 protein function with a negative predictive value of 95%. In summary, the available evidence is currently insufficient to determine the role of this variant in disease. Therefore, it has been classified as a Variant of Uncertain Significance.